The following is an entry in ClinVar:

ClinVar aggregate classification (germline): Likely benign (1 of 4 stars; one submission).

Allele frequency attached by ClinVar (database versions not stated): gnomAD exomes 0.00002; gnomAD 0.00004; TOPMed 0.00005.
gnomAD v4.1: 30 of 1,522,862 alleles (0.002%); highest among the groups gnomAD compares: South Asian, 0.0049%; 1 homozygote.

Submission:

CeGaT Center for Human Genetics Tuebingen
Classification: Likely benign. Last evaluated: 2024-02-01. Review status: criteria provided, single submitter. Criteria: CeGaT Center For Human Genetics Tuebingen Variant Classification Criteria Version 2. Collection method: clinical testing. Allele origin: germline. Affected: yes. Observed: 1 variant allele.
Comment: CHD3: BP4, BP7

NM_001005273.3(CHD3):c.5590+23G>A

Gene: CHD3 (chromodomain helicase DNA binding protein 3; plus strand). Cytogenetic location: 17p13.1.
Variant type: single nucleotide variant.
Coding change: c.5590+23G>A on transcript NM_001005273.3 (MANE Select); 23 bases into the intron after coding-DNA position 5590, G replaced by A.
Molecular consequence: intron variant.
Genome position (GRCh38, 1-based): chr17:7,909,361, G>A. VCF-style: chr17-7909361-G-A. GRCh37 (hg19) VCF-style: chr17-7812679-G-A.
Other names: c.5767+23G>A (NM_001005271.3); c.5488+23G>A (NM_005852.4).
Identifiers: ClinVar variation 3026147 (VCV003026147.22), dbSNP rs936633311, ClinGen allele CA287499158.